The following is an entry in ClinVar:

ClinVar aggregate classification (germline): Pathogenic (1 of 4 stars; one submission).

Conditions:
Baller-Gerold syndrome (BGS). Also called: CRANIOSYNOSTOSIS WITH RADIAL DEFECTS. Identifiers: Orphanet 1225, MedGen C0265308, MONDO:0009039, OMIM 218600.

Submission:

Labcorp Genetics (formerly Invitae), Labcorp
Classification: Pathogenic for Baller-Gerold syndrome. Last evaluated: 2024-04-29. Review status: criteria provided, single submitter. Criteria: Invitae Variant Classification Sherloc (09022015). Collection method: clinical testing. Allele origin: germline.
Comment: This sequence change creates a premature translational stop signal (p.Gln880Serfs*4) in the RECQL4 gene. It is expected to result in an absent or disrupted protein product. Loss-of-function variants in RECQL4 are known to be pathogenic (PMID: 12734318, 12952869). This variant is present in population databases (no rsID available, gnomAD 0.001%). This premature translational stop signal has been observed in individual(s) with ovarian cancer (PMID: 30306255). ClinVar contains an entry for this variant (Variation ID: 651496). For these reasons, this variant has been classified as Pathogenic.

Literature cited by the submitters: PubMed 12734318; PubMed 12952869; PubMed 30306255.

NM_004260.4(RECQL4):c.2636dup (p.Gln880fs)

Gene: RECQL4 (RecQ like helicase 4; minus strand). Cytogenetic location: 8q24.3.
Variant type: Duplication.
Coding change: c.2636dup on transcript NM_004260.4 (MANE Select); coding-DNA position 2636, one base duplicated (C; older notation c.2636dupC).
Protein change: p.Gln880fs; shifts the reading frame from glutamine 880.
Molecular consequence: frameshift variant.
Genome position (GRCh38, 1-based): chr8:144,512,966, G duplicated on the plus strand (C on the coding strand, the reverse complement: RECQL4 is on the minus strand); the first of 6 consecutive G bases (chr8:144,512,966-144,512,971); duplicating any one gives the same sequence. VCF-style (leftmost placement, unchanged base first): chr8-144512965-A-AG. GRCh37 (hg19) VCF-style: chr8-145738348-A-AG.
Other names: short protein forms Q880fs.
Identifiers: ClinVar variation 651496 (VCV000651496.7), dbSNP rs1215700016, ClinGen allele CA586165239.